The following is an entry in ClinVar:

NM_170707.4(LMNA):c.1157G>A (p.Arg386Lys)

Gene: LMNA (lamin A/C; plus strand). Cytogenetic location: 1q22.
Variant type: single nucleotide variant.
Coding change: c.1157G>A on transcript NM_170707.4 (MANE Select); coding-DNA position 1157, G replaced by A.
Protein change: p.Arg386Lys; replaces arginine 386 with lysine.
Molecular consequence: missense variant.
Genome position (GRCh38, 1-based): chr1:156,136,121, G>A. VCF-style: chr1-156136121-G-A. GRCh37 (hg19) VCF-style: chr1-156105912-G-A.
Other names: c.821G>A, p.Arg274Lys (NM_001257374.3); c.914G>A, p.Arg305Lys (NM_001282624.2); c.1157G>A, p.Arg386Lys (NM_001282625.2, NM_001282626.2, NM_005572.4 and 1 more transcripts); short protein forms R386K, R274K, R305K.
Identifiers: ClinVar variation 66782 (VCV000066782.11), dbSNP rs267607545, ClinGen allele CA016734.

ClinVar aggregate classification (germline): Pathogenic. Review status: criteria provided, multiple submitters, no conflicts (2 of 4 stars). 5 submissions from 5 submitters: Pathogenic (4). 1 of the submissions does not count toward it. Last evaluated 2023-02-02.

Conditions:
Charcot-Marie-Tooth disease type 2. Also called: Charcot-Marie-Tooth type 2. Identifiers: Orphanet 64746, MedGen C0270914, MONDO:0018993.
Emery-Dreifuss muscular dystrophy 2, autosomal dominant (EDMD2). Also called: SCAPULOILIOPERONEAL ATROPHY WITH CARDIOPATHY; Limb-girdle muscular dystrophy, type 1B; Muscular dystrophy, proximal, type 1B; Benign scapuloperoneal muscular dystrophy with cardiomyopathy; LMNA-Related Emery-Dreifuss Muscular Dystrophy, Autosomal; HAUPTMANN-THANNHAUSER MUSCULAR DYSTROPHY. Identifiers: Orphanet 261, Orphanet 264, MedGen C0410190, MONDO:0021569, OMIM 181350.

Submissions (5):

Labcorp Genetics (formerly Invitae), Labcorp
Classification: Pathogenic for Charcot-Marie-Tooth disease type 2. Last evaluated: 2023-02-02. Review status: criteria provided, single submitter. Criteria: Invitae Variant Classification Sherloc (09022015). Collection method: clinical testing. Allele origin: germline.
Comment: Variants that disrupt the consensus splice site are a relatively common cause of aberrant splicing (PMID: 17576681, 9536098). Studies have shown that this missense change is associated with altered splicing resulting in unknown protein product impact (PMID: 10939567). This variant disrupts the p.Arg386 amino acid residue in LMNA. Other variant(s) that disrupt this residue have been determined to be pathogenic (PMID: 23427149; Invitae). This suggests that this residue is clinically significant, and that variants that disrupt this residue are likely to be disease-causing. Algorithms developed to predict the effect of missense changes on protein structure and function (SIFT, PolyPhen-2, Align-GVGD) all suggest that this variant is likely to be disruptive. ClinVar contains an entry for this variant (Variation ID: 66782). This missense change has been observed in individuals with autosomal dominant muscular dystrophy (PMID: 10939567, 27884249, 31069529). It has also been observed to segregate with disease in related individuals. For these reasons, this variant has been classified as Pathogenic. This variant is not present in population databases (gnomAD no frequency). This sequence change replaces arginine, which is basic and polar, with lysine, which is basic and polar, at codon 386 of the LMNA protein (p.Arg386Lys). This variant also falls at the last nucleotide of exon 6, which is part of the consensus splice site for this exon.

GeneDx
Classification: Pathogenic. Last evaluated: 2019-01-08. Review status: criteria provided, single submitter. Criteria: GeneDx Variant Classification Process June 2021. Collection method: clinical testing. Allele origin: germline. Affected: yes.
Comment: Observed in one family with Emery-Dreifuss muscular dystrophy (Bonne et al., 2000); Published functional studies demonstrate a damaging effect as RT-PCR analysis shows the variant results in two transcripts, one of normal size coding for the R386K missense variant and a larger mRNA coding for a truncated protein as a result of abnormal splicing (Bonne et al., 2000); Published functional studies demonstrate increased fractions of soluble mutant lamin A protein associated with nuclear deformation compared to wild-type and immunofluorescence showed significant aberrant localization of mutant LMNA in transfected cells (Zwerger et al., 2013; Ostlund et al., 2001); Not observed in large population cohorts (Lek et al., 2016); This variant is associated with the following publications: (PMID: 12783988, 12649505, 27884249, 23029315, 11792809, 23427149, 20848652, 10939567)

Eurofins Ntd Llc (ga)
Classification: Pathogenic. Last evaluated: 2017-01-30. Review status: criteria provided, single submitter. Criteria: EGL Classification Definitions 2015. Collection method: clinical testing. Allele origin: germline. Observed: 1 variant allele, 1 heterozygote.

Kasturba Medical College, Manipal, Kasturba Medical College, Manipal, Manipal Academy of Higher Education, Manipal, India
Classification: Pathogenic for Emery-Dreifuss muscular dystrophy 2, autosomal dominant. Review status: criteria provided, single submitter. Criteria: ACMG Guidelines, 2015. Collection method: clinical testing. Allele origin: germline. Inheritance: Autosomal dominant inheritance. Affected: yes. Observed: 1 heterozygote.
Comment: This variant is not observed in gnomAD population database. Different amino acid change (Arg386Gly) as a known pathogenic variant at the same position has been reported. This variant affects the last nucleotide of exon 6 and a study by Bonne et al. showed that this variant causes aberrant splicing, which leads to formation of an aberrant transcript with retention of intron 6 further leading to the formation of a truncated protein product.

Epithelial Biology;  Institute of Medical Biology, Singapore
No classification provided. Review status: no classification provided. Collection method: not provided. Allele origin: not provided. Not counted in ClinVar's aggregate classification.

Literature cited by the submitters: PubMed 17576681 (cited by Labcorp Genetics (formerly Invitae), Labcorp); PubMed 9536098 (cited by Labcorp Genetics (formerly Invitae), Labcorp); PubMed 10939567 (cited by 3 submitters); PubMed 23427149 (cited by Labcorp Genetics (formerly Invitae), Labcorp and Eurofins Ntd Llc (ga)); PubMed 27884249 (cited by Labcorp Genetics (formerly Invitae), Labcorp); PubMed 31069529 (cited by Labcorp Genetics (formerly Invitae), Labcorp); PubMed 11792809 (cited by Eurofins Ntd Llc (ga)); PubMed 20848652 (cited by Eurofins Ntd Llc (ga)); PubMed 23029315 (cited by Eurofins Ntd Llc (ga)).